The following is an entry in ClinVar:

NM_020964.3(EPG5):c.3173T>C (p.Val1058Ala)

Gene: EPG5 (ectopic P-granules 5 autophagy tethering factor; minus strand). Cytogenetic location: 18q21.1.
Variant type: single nucleotide variant.
Coding change: c.3173T>C on transcript NM_020964.3 (MANE Select); coding-DNA position 3173, T replaced by C.
Protein change: p.Val1058Ala; replaces valine 1058 with alanine.
Molecular consequence: missense variant.
Genome position (GRCh38, 1-based): chr18:45,917,745, A>G on the plus strand (T>C on the coding strand, the complement: EPG5 is on the minus strand). VCF-style: chr18-45917745-A-G. GRCh37 (hg19) VCF-style: chr18-43497710-A-G.
Other names: short protein forms V1058A.
Identifiers: ClinVar variation 402833 (VCV000402833.24), dbSNP rs3744998, ClinGen allele CA8949248.
Genomic context (GRCh38, chr18:45,917,745, plus strand): 5'-TTCTTCAGAAGGTAATACTGGCAAGGGTAAAATAAAGGCAGAATCTTATCCAGGACATGA[A>G]CCACTGTTCTCAAATGTCTTGACTGGACCAGAATTCCCAATAGTGGGATGCCTTCTGCAC-3'
Protein context (NP_066015.2, residues 1048-1068): LVQSRHLRTV[Val1058Ala]HVLDKILPLF

ClinVar aggregate classification (germline): Benign. Review status: criteria provided, multiple submitters, no conflicts (2 of 4 stars). 9 submissions from 9 submitters: Benign (9). Last evaluated 2026-02-04.

Conditions:
Vici syndrome (VICIS). Identifiers: Orphanet 1493, MedGen C1855772, MONDO:0009452, OMIM 242840.

Allele frequency attached by ClinVar (database versions not stated): 1000 Genomes Project 30x 0.42489; 1000 Genomes Project 0.42692; TOPMed 0.45410; gnomAD 0.46586 and 0.46686; ESP Exome Variant Server 0.47968; gnomAD exomes 0.49005 and 0.53700; ExAC 0.49090.
gnomAD v4.1: 855,082 of 1,613,394 alleles (53%); highest among the groups gnomAD compares: East Asian, 56%; 231,435 homozygotes.

Submissions (9):

Labcorp Genetics (formerly Invitae), Labcorp
Classification: Benign for Vici syndrome. Last evaluated: 2026-02-04. Review status: criteria provided, single submitter. Criteria: Invitae Variant Classification Sherloc (09022015). Collection method: clinical testing. Allele origin: germline.

Blueprint Genetics
Classification: Benign. Last evaluated: 2024-11-28. Review status: criteria provided, single submitter. Criteria: ACMG Guidelines, 2015. Collection method: clinical testing. Allele origin: germline.

Unidad de Genómica Garrahan, Hospital de Pediatría Garrahan
Classification: Benign. Last evaluated: 2024-01-24. Review status: criteria provided, single submitter. Criteria: ACMG Guidelines, 2015. Collection method: clinical testing. Allele origin: germline. Affected: no. Observed: 69 variant alleles.
Comment: This variant is classified as Benign based on local population frequency. This variant was detected in 73% of patients studied by a panel of primary immunodeficiencies. Number of patients: 69. Only high quality variants are reported.

Mayo Clinic Laboratories, Mayo Clinic
Classification: Benign. Last evaluated: 2022-09-06. Review status: criteria provided, single submitter. Criteria: ACMG Guidelines, 2015. Collection method: clinical testing. Allele origin: germline. Observed: 4 variant alleles.

Genome-Nilou Lab
Classification: Benign for Vici syndrome. Last evaluated: 2021-07-30. Review status: criteria provided, single submitter. Criteria: ACMG Guidelines, 2015. Collection method: clinical testing. Allele origin: germline. Affected: no.

Mendelics
Classification: Benign for Vici syndrome. Last evaluated: 2019-05-28. Review status: criteria provided, single submitter. Criteria: Mendelics Assertion Criteria 2017. Collection method: clinical testing. Allele origin: unknown.

GeneDx
Classification: Benign. Last evaluated: 2018-03-24. Review status: criteria provided, single submitter. Criteria: GeneDx Variant Classification (06012015). Collection method: clinical testing. Allele origin: germline. Affected: yes.
Comment: This variant is considered likely benign or benign based on one or more of the following criteria: it is a conservative change, it occurs at a poorly conserved position in the protein, it is predicted to be benign by multiple in silico algorithms, and/or has population frequency not consistent with disease.

Laboratory for Molecular Medicine, Mass General Brigham Personalized Medicine
Classification: Benign. Last evaluated: 2016-03-29. Review status: criteria provided, single submitter. Criteria: LMM Criteria. Collection method: clinical testing. Allele origin: germline.
Comment: Variant identified in a genome or exome case(s) and assessed due to predicted null impact of the variant or pathogenic assertions in the literature or databases. Disclaimer: This variant has not undergone full assessment. The following are preliminary notes: Frequency

Breakthrough Genomics
Classification: Benign. Review status: criteria provided, single submitter. Criteria: ACMG Guidelines, 2015. Collection method: not provided. Allele origin: germline. Inheritance: Autosomal recessive inheritance. Affected: yes.